The following is an entry in ClinVar:

NM_000551.4(VHL):c.341-10G>C

Genes: VHL (von Hippel-Lindau tumor suppressor; plus strand), LOC107303340 (3p25 von Hippel-Lindau tumor suppressor, E3 ubiquitin protein ligase Alu-mediated recombination region; plus strand). Cytogenetic location: 3p25.3.
Variant type: single nucleotide variant.
Coding change: c.341-10G>C on transcript NM_000551.4 (MANE Select); 10 bases into the intron before coding-DNA position 341, G replaced by C.
Molecular consequence: intron variant.
Genome position (GRCh38, 1-based): chr3:10,146,504, G>C. VCF-style: chr3-10146504-G-C. GRCh37 (hg19) VCF-style: chr3-10188188-G-C.
Other names: c.*18-3283G>C (NM_001354723.2); c.341-3283G>C (NM_198156.3).
Identifiers: ClinVar variation 456584 (VCV000456584.19), dbSNP rs140064807, ClinGen allele CA040462.

ClinVar aggregate classification (germline): Likely benign. Review status: criteria provided, multiple submitters, no conflicts (2 of 4 stars). 6 submissions from 6 submitters: Likely benign (6). Last evaluated 2026-01-05.

Conditions:
Von Hippel-Lindau syndrome (VHLS). Also called: Von Hippel-Lindau; von Hippel–Lindau syndrome; VHL syndrome. Identifiers: Orphanet 892, MedGen C0019562, MONDO:0008667, OMIM 193300. Disease mechanism: loss of function.
Chuvash polycythemia. Also called: POLYCYTHEMIA, VHL-DEPENDENT. Identifiers: Orphanet 238557, MedGen C1837915, MONDO:0009892, OMIM 263400.

Allele frequency attached by ClinVar (database versions not stated): gnomAD 0.00001; gnomAD exomes 0.00001; TOPMed 0.00001; ExAC 0.00004; 1000 Genomes Project 30x 0.00047; 1000 Genomes Project 0.00060.
gnomAD v4.1: 18 of 1,613,364 alleles (0.0011%); highest among the groups gnomAD compares: Middle Eastern, 0.05%; no homozygotes.

Submissions (6):

Labcorp Genetics (formerly Invitae), Labcorp
Classification: Likely benign for Von Hippel-Lindau syndrome; Chuvash polycythemia. Last evaluated: 2026-01-05. Review status: criteria provided, single submitter. Criteria: Invitae Variant Classification Sherloc (09022015). Collection method: clinical testing. Allele origin: germline.

Myriad Genetics, Inc.
Classification: Likely benign for Von Hippel-Lindau syndrome. Last evaluated: 2025-06-11. Review status: criteria provided, single submitter. Criteria: Myriad Autosomal Dominant, Autosomal Recessive and X-Linked Classification Criteria (2023). Collection method: clinical testing. Allele origin: unknown.
Comment: This variant is considered likely benign. This variant is intronic and is not expected to impact mRNA splicing.

Center for Genomic Medicine, Rigshospitalet, Copenhagen University Hospital
Classification: Likely benign. Last evaluated: 2025-03-04. Review status: criteria provided, single submitter. Criteria: ACMG Guidelines, 2015. Collection method: clinical testing. Allele origin: germline.

All of Us Research Program, National Institutes of Health
Classification: Likely benign for Von Hippel-Lindau syndrome. Last evaluated: 2024-01-08. Review status: criteria provided, single submitter. Criteria: ACMG Guidelines, 2015. Collection method: clinical testing. Allele origin: germline. Inheritance: Autosomal dominant inheritance. Observed: 2 variant alleles, 2 heterozygotes.
Comment: This study involves interpretation of variants in research participants for the purpose of population health screening. Participant phenotype was not available at the time of variant classification. Additional details can be found in publication PMID: 35346344, PMCID: PMC8962531

KCCC/NGS Laboratory, Kuwait Cancer Control Center
Classification: Likely benign for Von Hippel-Lindau syndrome. Last evaluated: 2023-07-07. Review status: criteria provided, single submitter. Criteria: ACMG Guidelines, 2015. Collection method: clinical testing. Allele origin: germline. Affected: yes.

GeneDx
Classification: Likely benign. Last evaluated: 2020-03-07. Review status: criteria provided, single submitter. Criteria: GeneDx Variant Classification Process June 2021. Collection method: clinical testing. Allele origin: germline. Affected: yes.